The following is an entry in ClinVar:

NM_213599.3(ANO5):c.414G>T (p.Glu138Asp)

Gene: ANO5 (anoctamin 5; plus strand). Cytogenetic location: 11p14.3.
Variant type: single nucleotide variant.
Coding change: c.414G>T on transcript NM_213599.3 (MANE Select); coding-DNA position 414, G replaced by T.
Protein change: p.Glu138Asp; replaces glutamic acid 138 with aspartic acid.
Molecular consequence: missense variant.
Genome position (GRCh38, 1-based): chr11:22,227,352, G>T. VCF-style: chr11-22227352-G-T. GRCh37 (hg19) VCF-style: chr11-22248898-G-T.
Other names: c.411G>T, p.Glu137Asp (NM_001142649.2); short protein forms E137D, E138D.
Identifiers: ClinVar variation 1477742 (VCV001477742.6), dbSNP rs1421178168, ClinGen allele CA379919461.
Genomic context (GRCh38, chr11:22,227,352, plus strand): 5'-TTTAATGCAGGACTCGGAAGATGGAAGAACTTATTTTGTCAAGATCCATGCCCCTTGGGA[G>T]GTATTAGTTACCTATGCTGAAGTCTTGGGAATCAAAATGCCTATTAAGGAGAGTGATATT-3'
Protein context (NP_998764.1, residues 128-148): TYFVKIHAPW[Glu138Asp]VLVTYAEVLG

ClinVar aggregate classification (germline): Uncertain significance (1 of 4 stars; one submission).

Conditions:
Gnathodiaphyseal dysplasia (GDD). Also called: GNATHODIAPHYSEAL SCLEROSIS; OSTEOGENESIS IMPERFECTA WITH UNUSUAL SKELETAL LESIONS. Identifiers: Orphanet 53697, MedGen C1833736, MONDO:0008151, OMIM 166260.
Autosomal recessive limb-girdle muscular dystrophy type 2L (LGMDR12). Also called: Limb-girdle muscular dystrophy, type 2L; MUSCULAR DYSTROPHY, LIMB-GIRDLE, AUTOSOMAL RECESSIVE 12; Limb-Girdle Muscular Dystrophy R12 Anoctamin-5-Related (LGMD-R12). Identifiers: Orphanet 206549, MedGen C1969785, MONDO:0012652, OMIM 611307.

Submission:

Labcorp Genetics (formerly Invitae), Labcorp
Classification: Uncertain significance for Autosomal recessive limb-girdle muscular dystrophy type 2L; Gnathodiaphyseal dysplasia. Last evaluated: 2022-08-23. Review status: criteria provided, single submitter. Criteria: Invitae Variant Classification Sherloc (09022015). Collection method: clinical testing. Allele origin: germline.
Comment: This sequence change replaces glutamic acid, which is acidic and polar, with aspartic acid, which is acidic and polar, at codon 138 of the ANO5 protein (p.Glu138Asp). This variant is not present in population databases (gnomAD no frequency). This variant has not been reported in the literature in individuals affected with ANO5-related conditions. ClinVar contains an entry for this variant (Variation ID: 1477742). Advanced modeling of protein sequence and biophysical properties (such as structural, functional, and spatial information, amino acid conservation, physicochemical variation, residue mobility, and thermodynamic stability) performed at Invitae indicates that this missense variant is not expected to disrupt ANO5 protein function. In summary, the available evidence is currently insufficient to determine the role of this variant in disease. Therefore, it has been classified as a Variant of Uncertain Significance.